The following is an entry in ClinVar:

ClinVar aggregate classification (germline): Uncertain significance (1 of 4 stars; one submission).

Conditions:
Fibrous dysplasia of jaw (CRBM). Also called: Cherubism. Identifiers: Orphanet 184, MedGen C0008029, MONDO:0007315, OMIM 118400.

Allele frequency attached by ClinVar (database versions not stated): gnomAD 0.00001; TOPMed 0.00004.
gnomAD v4.1: 2 of 1,612,580 alleles (0.00012%); highest among the groups gnomAD compares: Admixed American, 0.0017%; no homozygotes.

Submission:

Labcorp Genetics (formerly Invitae), Labcorp
Classification: Uncertain significance for Fibrous dysplasia of jaw. Last evaluated: 2024-12-10. Review status: criteria provided, single submitter. Criteria: Invitae Variant Classification Sherloc (09022015). Collection method: clinical testing. Allele origin: germline.
Comment: This sequence change replaces alanine, which is neutral and non-polar, with threonine, which is neutral and polar, at codon 272 of the SH3BP2 protein (p.Ala272Thr). This variant is not present in population databases (gnomAD no frequency). This variant has not been reported in the literature in individuals affected with SH3BP2-related conditions. ClinVar contains an entry for this variant (Variation ID: 1942899). An algorithm developed to predict the effect of missense changes on protein structure and function outputs the following: PolyPhen-2: "Benign". The threonine amino acid residue is found in multiple mammalian species, which suggests that this missense change does not adversely affect protein function. In summary, the available evidence is currently insufficient to determine the role of this variant in disease. Therefore, it has been classified as a Variant of Uncertain Significance.

NM_001122681.2(SH3BP2):c.814G>A (p.Ala272Thr)

Gene: SH3BP2 (SH3 domain binding protein 2; plus strand). Cytogenetic location: 4p16.3.
Variant type: single nucleotide variant.
Coding change: c.814G>A on transcript NM_001122681.2 (MANE Select); coding-DNA position 814, G replaced by A.
Protein change: p.Ala272Thr; replaces alanine 272 with threonine.
Molecular consequence: missense variant.
Genome position (GRCh38, 1-based): chr4:2,829,720, G>A. VCF-style: chr4-2829720-G-A. GRCh37 (hg19) VCF-style: chr4-2831447-G-A.
Other names: c.898G>A, p.Ala300Thr (NM_001145855.2); c.985G>A, p.Ala329Thr (NM_001145856.2); c.814G>A, p.Ala272Thr (NM_003023.4); short protein forms A272T, A300T, A329T.
Identifiers: ClinVar variation 1942899 (VCV001942899.5), dbSNP rs1366943959, ClinGen allele CA356056182.